The following is an entry in ClinVar:

NM_004360.5(CDH1):c.1841T>A (p.Ile614Asn)

Gene: CDH1 (cadherin 1; plus strand). Cytogenetic location: 16q22.1.
Variant type: single nucleotide variant.
Coding change: c.1841T>A on transcript NM_004360.5 (MANE Select); coding-DNA position 1841, T replaced by A.
Protein change: p.Ile614Asn; replaces isoleucine 614 with asparagine.
Molecular consequence: missense variant. On other transcripts: 5 prime UTR variant (1).
Genome position (GRCh38, 1-based): chr16:68,822,130, T>A. VCF-style: chr16-68822130-T-A. GRCh37 (hg19) VCF-style: chr16-68856033-T-A.
Other names: c.1658T>A, p.Ile553Asn (NM_001317184.2); c.293T>A, p.Ile98Asn (NM_001317185.2); c.-125T>A (NM_001317186.2); short protein forms I553N, I614N, I98N.
Identifiers: ClinVar variation 863627 (VCV000863627.10), dbSNP rs1961163698, ClinGen allele CA396466955.

ClinVar aggregate classification (germline): Uncertain significance (1 of 4 stars; one submission).

Conditions:
Hereditary diffuse gastric adenocarcinoma (HDGC). Also called: DIFFUSE GASTRIC AND LOBULAR BREAST CANCER SYNDROME. Identifiers: Orphanet 26106, MedGen C1708349, MONDO:0007648, OMIM 137215.

Submission:

Labcorp Genetics (formerly Invitae), Labcorp
Classification: Uncertain significance for Hereditary diffuse gastric adenocarcinoma. Last evaluated: 2019-01-22. Review status: criteria provided, single submitter. Criteria: Invitae Variant Classification Sherloc (09022015). Collection method: clinical testing. Allele origin: germline.
Comment: In summary, the available evidence is currently insufficient to determine the role of this variant in disease. Therefore, it has been classified as a Variant of Uncertain Significance. Algorithms developed to predict the effect of missense changes on protein structure and function (SIFT, PolyPhen-2, Align-GVGD) all suggest that this variant is likely to be disruptive, but these predictions have not been confirmed by published functional studies and their clinical significance is uncertain. This variant has not been reported in the literature in individuals with CDH1-related conditions. This variant is not present in population databases (ExAC no frequency). This sequence change replaces isoleucine with asparagine at codon 614 of the CDH1 protein (p.Ile614Asn). The isoleucine residue is highly conserved and there is a large physicochemical difference between isoleucine and asparagine.